The following is an entry in ClinVar:

ClinVar aggregate classification (germline): Likely benign. Review status: criteria provided, multiple submitters, no conflicts (2 of 4 stars). 2 submissions from 2 submitters: Likely benign (2). Last evaluated 2024-11-10.

Conditions:
RP1L1-related disorder. Also called: RP1L1-related condition.

gnomAD v4.1: 20 of 1,612,192 alleles (0.0012%); highest among the groups gnomAD compares: East Asian, 0.0089%; no homozygotes.

Submissions (2):

PreventionGenetics, part of Exact Sciences
Classification: Likely benign for RP1L1-related condition. Last evaluated: 2024-11-10. Review status: criteria provided, single submitter. Criteria: ACMG Guidelines, 2015. Collection method: clinical testing. Allele origin: germline.
Comment: This variant is classified as likely benign based on ACMG/AMP sequence variant interpretation guidelines (Richards et al. 2015 PMID: 25741868, with internal and published modifications).

Blueprint Genetics
Classification: Likely benign. Last evaluated: 2024-08-09. Review status: criteria provided, single submitter. Criteria: ACMG Guidelines, 2015. Collection method: clinical testing. Allele origin: germline.

NM_178857.6(RP1L1):c.4680G>A (p.Leu1560=)

Gene: RP1L1 (RP1 like 1). Cytogenetic location: 8p23.1.
Variant type: single nucleotide variant.
Coding change: c.4680G>A on transcript NM_178857.6 (MANE Select); coding-DNA position 4680, G replaced by A.
Protein change: p.Leu1560=; no amino-acid change (leucine 1560 retained).
Molecular consequence: synonymous variant.
Genome position (GRCh38, 1-based): chr8:10,609,418, C>T on the plus strand (G>A on the coding strand, the complement: RP1L1 is on the minus strand). VCF-style: chr8-10609418-C-T. GRCh37 (hg19) VCF-style: chr8-10466928-C-T.
Other names: c.4680G>A (NM_178857.5).
Identifiers: ClinVar variation 4899034 (VCV004899034.2).